The following is an entry in ClinVar:

ClinVar aggregate classification (germline): Uncertain significance (1 of 4 stars; one submission).

Conditions:
PCNT-related disorder. Also called: PCNT-related condition.

Submission:

PreventionGenetics, part of Exact Sciences
Classification: Uncertain significance for PCNT-related condition. Last evaluated: 2025-09-04. Review status: criteria provided, single submitter. Criteria: ACMG Guidelines, 2015. Collection method: clinical testing. Allele origin: germline.
Comment: The PCNT c.6407G>C variant is predicted to result in the amino acid substitution p.Gly2136Ala. To our knowledge, this variant has not been reported in the literature or in a large population database (gnomAD), indicating this variant is rare. At this time, the clinical significance of this variant is uncertain due to the absence of conclusive functional and genetic evidence.

NM_006031.6(PCNT):c.6407G>C (p.Gly2136Ala)

Gene: PCNT (pericentrin; plus strand). Cytogenetic location: 21q22.3.
Variant type: single nucleotide variant.
Coding change: c.6407G>C on transcript NM_006031.6 (MANE Select); coding-DNA position 6407, G replaced by C.
Protein change: p.Gly2136Ala; replaces glycine 2136 with alanine.
Molecular consequence: missense variant.
Genome position (GRCh38, 1-based): chr21:46,416,325, G>C. VCF-style: chr21-46416325-G-C. GRCh37 (hg19) VCF-style: chr21-47836239-G-C.
Other names: c.6053G>C, p.Gly2018Ala (NM_001315529.2); short protein forms G2018A, G2136A.
Identifiers: ClinVar variation 4994753 (VCV004994753.1).